The following is an entry in ClinVar:

NM_000138.5(FBN1):c.3583del (p.Cys1195fs)

Gene: FBN1 (fibrillin 1; minus strand). Cytogenetic location: 15q21.1.
Variant type: Deletion.
Coding change: c.3583del on transcript NM_000138.5 (MANE Select); coding-DNA position 3583, one base deleted (T; older notation c.3583delT).
Protein change: p.Cys1195fs; shifts the reading frame from cysteine 1195.
Molecular consequence: frameshift variant.
Genome position (GRCh38, 1-based): chr15:48,487,081, A deleted on the plus strand (T on the coding strand, the reverse complement: FBN1 is on the minus strand); the first of 4 consecutive A bases (chr15:48,487,081-48,487,084); deleting any one gives the same sequence. VCF-style (leftmost placement, unchanged base first): chr15-48487080-CA-C. GRCh37 (hg19) VCF-style: chr15-48779277-CA-C.
Other names: short protein forms C1195fs.
Identifiers: ClinVar variation 1069717 (VCV001069717.9), dbSNP rs2141293095, ClinGen allele CA2499222996.

ClinVar aggregate classification (germline): Pathogenic (1 of 4 stars; one submission).

Conditions:
Familial thoracic aortic aneurysm and aortic dissection (TAAD). Also called: Thoracic aortic aneurysms and dissections. Identifiers: Orphanet 91387, MedGen C4707243, MONDO:0019625.
Marfan syndrome (MFS). Also called: Marfan syndrome type 1; Marfan's syndrome; Marfan syndrome, classic; MARFAN SYNDROME, TYPE I; FBN1-Related Marfan Syndrome. Identifiers: Orphanet 284963, Orphanet 558, MedGen C0024796, MONDO:0007947, OMIM 154700.

Submission:

Labcorp Genetics (formerly Invitae), Labcorp
Classification: Pathogenic for Marfan syndrome; Familial thoracic aortic aneurysm and aortic dissection. Last evaluated: 2020-10-26. Review status: criteria provided, single submitter. Criteria: Invitae Variant Classification Sherloc (09022015). Collection method: clinical testing. Allele origin: germline.
Comment: For these reasons, this variant has been classified as Pathogenic. This sequence change creates a premature translational stop signal (p.Cys1195Valfs*9) in the FBN1 gene. It is expected to result in an absent or disrupted protein product. This variant is not present in population databases (ExAC no frequency). This variant has been observed in individual(s) with Marfan syndrome (PMID: 27906200). Loss-of-function variants in FBN1 are known to be pathogenic (PMID: 17657824, 19293843).

Literature cited by the submitters: PubMed 27906200; PubMed 17657824; PubMed 19293843.